The following is an entry in ClinVar:

NM_000334.4(SCN4A):c.1207A>G (p.Met403Val)

Gene: SCN4A (sodium voltage-gated channel alpha subunit 4; minus strand). Cytogenetic location: 17q23.3.
Variant type: single nucleotide variant.
Coding change: c.1207A>G on transcript NM_000334.4 (MANE Select); coding-DNA position 1207, A replaced by G.
Protein change: p.Met403Val; replaces methionine 403 with valine.
Molecular consequence: missense variant.
Genome position (GRCh38, 1-based): chr17:63,966,137, T>C on the plus strand (A>G on the coding strand, the complement: SCN4A is on the minus strand). VCF-style: chr17-63966137-T-C. GRCh37 (hg19) VCF-style: chr17-62043497-T-C.
Other names: short protein forms M403V.
Identifiers: ClinVar variation 1515207 (VCV001515207.11), dbSNP rs566340596, ClinGen allele CA8709905.

ClinVar aggregate classification (germline): Conflicting classifications of pathogenicity. Review status: criteria provided, conflicting classifications (1 of 4 stars). 3 submissions from 3 submitters: Uncertain significance (2); Likely benign (1). Last evaluated 2026-03-16.

Conditions:
Paramyotonia congenita of Von Eulenburg. Also called: PARALYSIS PERIODICA PARAMYOTONICA; Paramyotonia Congenita; Eulenburg disease; Myotonia congenita intermittens; Von Eulenburg paramyotonia congenita. Identifiers: Orphanet 684, MedGen C0221055, MONDO:0008195, OMIM 168300. Disease mechanism: loss of function.
Congenital myopathy 22A, classic (CMYO22A). Identifiers: MedGen C5830453, MONDO:0957247, OMIM 620351.
Congenital myopathy 22B, severe fetal (CMYO22B). Identifiers: MedGen C5830501, MONDO:0957265, OMIM 620369.
Hypokalemic periodic paralysis, type 2 (HOKPP2). Identifiers: Orphanet 681, MedGen C2750061, MONDO:0013234, OMIM 613345.
Potassium-aggravated myotonia. Also called: MYOTONIA CONGENITA, ACETAZOLAMIDE-RESPONSIVE; MYOTONIA CONGENITA, ATYPICAL; SODIUM CHANNEL MUSCLE DISEASE; Myotonia congenita, atypical, acetazolamide-responsive. Identifiers: Orphanet 612, Orphanet 99734, Orphanet 99735, Orphanet 99736, MedGen C2931826, MONDO:0018959, OMIM 608390.
Congenital myasthenic syndrome 16. Identifiers: Orphanet 590, MedGen C3280112, MONDO:0013620, OMIM 614198.
Hyperkalemic periodic paralysis. Also called: Familial hyperkalemic periodic paralysis; Gamstorp disease. Identifiers: Orphanet 682, MedGen C0238357, MONDO:0008224, OMIM 170500, HP:0007215.

Allele frequency attached by ClinVar (database versions not stated): 1000 Genomes Project 0.00020; gnomAD 0.00001; 1000 Genomes Project 30x 0.00016; gnomAD exomes 0.00001; ExAC 0.00005.
gnomAD v4.1: 11 of 1,589,698 alleles (0.00069%); highest among the groups gnomAD compares: South Asian, 0.0069%; no homozygotes.

Submissions (3):

Centre for Medical Genetics,  Mumbai
Classification: Likely benign for Congenital myopathy 22A, classic. Last evaluated: 2026-03-16. Review status: criteria provided, single submitter. Criteria: ACMG Guidelines, 2015. Collection method: provider interpretation. Allele origin: germline. Inheritance: Autosomal recessive inheritance. Affected: no. Observed: 1 variant allele, 1 homozygote.
Comment: The variant satisfies PM2 criteria; Extremely low frequency in gnomAD population databases. The variant satisfies PP3 criteria; For a missense or a splicing region variant, computational prediction tools unanimously support a deleterious effect on the gene. However, the variant satisfies BS2 criteria.

Fulgent Genetics
Classification: Uncertain significance for Paramyotonia congenita of Von Eulenburg; Hyperkalemic periodic paralysis; Potassium-aggravated myotonia; Hypokalemic periodic paralysis, type 2; Congenital myasthenic syndrome 16; Congenital myopathy 22A, classic; Congenital myopathy 22B, severe fetal. Last evaluated: 2024-05-18. Review status: criteria provided, single submitter. Criteria: ACMG Guidelines, 2015. Collection method: clinical testing. Allele origin: germline.

Labcorp Genetics (formerly Invitae), Labcorp
Classification: Uncertain significance for Hyperkalemic periodic paralysis. Last evaluated: 2023-10-30. Review status: criteria provided, single submitter. Criteria: Invitae Variant Classification Sherloc (09022015). Collection method: clinical testing. Allele origin: germline.
Comment: This sequence change replaces methionine, which is neutral and non-polar, with valine, which is neutral and non-polar, at codon 403 of the SCN4A protein (p.Met403Val). This variant is present in population databases (rs566340596, gnomAD 0.008%). This variant has not been reported in the literature in individuals affected with SCN4A-related conditions. ClinVar contains an entry for this variant (Variation ID: 1515207). Advanced modeling of protein sequence and biophysical properties (such as structural, functional, and spatial information, amino acid conservation, physicochemical variation, residue mobility, and thermodynamic stability) has been performed at Invitae for this missense variant, however the output from this modeling did not meet the statistical confidence thresholds required to predict the impact of this variant on SCN4A protein function. In summary, the available evidence is currently insufficient to determine the role of this variant in disease. Therefore, it has been classified as a Variant of Uncertain Significance.

Literature cited by the submitters: PubMed 26700687 (cited by Centre for Medical Genetics,  Mumbai).